The following is an entry in ClinVar:

NM_007373.4(SHOC2):c.1321C>T (p.Pro441Ser)

Gene: SHOC2 (SHOC2 leucine rich repeat scaffold protein; plus strand). Cytogenetic location: 10q25.2.
Variant type: single nucleotide variant.
Coding change: c.1321C>T on transcript NM_007373.4 (MANE Select); coding-DNA position 1321, C replaced by T.
Protein change: p.Pro441Ser; replaces proline 441 with serine.
Molecular consequence: missense variant. On other transcripts: non-coding transcript variant (1).
Genome position (GRCh38, 1-based): chr10:111,009,284, C>T. VCF-style: chr10-111009284-C-T. GRCh37 (hg19) VCF-style: chr10-112769042-C-T.
Other names: c.1183C>T, p.Pro395Ser (NM_001269039.3, NM_001441186.1); c.1321C>T, p.Pro441Ser (NM_001324336.2, NM_001324337.2, NM_001441184.1 and 2 more transcripts); c.652C>T, p.Pro218Ser (NM_001441188.1); c.238C>T, p.Pro80Ser (NM_001441189.1, NM_001441190.1, NM_001441191.1); short protein forms P218S, P80S, P395S, P441S.
Identifiers: ClinVar variation 4741894 (VCV004741894.1).

ClinVar aggregate classification (germline): Uncertain significance (1 of 4 stars; one submission).

Conditions:
RASopathy. Also called: Noonan spectrum disorder; rasopathies. Identifiers: Orphanet 536391, MedGen C5555857, MONDO:0021060.

Submission:

Labcorp Genetics (formerly Invitae), Labcorp
Classification: Uncertain significance for RASopathy. Last evaluated: 2025-07-30. Review status: criteria provided, single submitter. Criteria: Invitae Variant Classification Sherloc (09022015). Collection method: clinical testing. Allele origin: germline.
Comment: This sequence change replaces proline, which is neutral and non-polar, with serine, which is neutral and polar, at codon 441 of the SHOC2 protein (p.Pro441Ser). This variant is not present in population databases (gnomAD no frequency). This variant has not been reported in the literature in individuals affected with SHOC2-related conditions. Invitae Evidence Modeling of protein sequence and biophysical properties (such as structural, functional, and spatial information, amino acid conservation, physicochemical variation, residue mobility, and thermodynamic stability) indicates that this missense variant is expected to disrupt SHOC2 protein function with a positive predictive value of 80%. In summary, the available evidence is currently insufficient to determine the role of this variant in disease. Therefore, it has been classified as a Variant of Uncertain Significance.